The following is an entry in ClinVar:

NM_000081.4(LYST):c.655A>G (p.Met219Val)

Gene: LYST (lysosomal trafficking regulator; minus strand). Cytogenetic location: 1q42.3.
Variant type: single nucleotide variant.
Coding change: c.655A>G on transcript NM_000081.4 (MANE Select); coding-DNA position 655, A replaced by G.
Protein change: p.Met219Val; replaces methionine 219 with valine.
Molecular consequence: missense variant.
Genome position (GRCh38, 1-based): chr1:235,810,163, T>C on the plus strand (A>G on the coding strand, the complement: LYST is on the minus strand). VCF-style: chr1-235810163-T-C. GRCh37 (hg19) VCF-style: chr1-235973463-T-C.
Other names: c.655A>G, p.Met219Val (NM_001301365.1); short protein forms M219V.
Identifiers: ClinVar variation 2161499 (VCV002161499.5), dbSNP rs753038724, ClinGen allele CA1467584.

ClinVar aggregate classification (germline): Uncertain significance. Review status: criteria provided, multiple submitters, no conflicts (2 of 4 stars). 3 submissions from 3 submitters: Uncertain significance (3). Last evaluated 2024-01-24.

Conditions:
Chédiak-Higashi syndrome (CHS). Also called: Chediak-Higashi Syndrome. Identifiers: Orphanet 167, MedGen C0007965, MONDO:0008963, OMIM 214500.

Allele frequency attached by ClinVar (database versions not stated): gnomAD 0.00001; ExAC 0.00002; TOPMed 0.00002.
gnomAD v4.1: 66 of 1,614,046 alleles (0.0041%); highest among the groups gnomAD compares: Non-Finnish European, 0.0054%; no homozygotes.

Submissions (3):

ARUP Laboratories, Molecular Genetics and Genomics, ARUP Laboratories
Classification: Uncertain significance for Chédiak-Higashi syndrome. Last evaluated: 2024-01-24. Review status: criteria provided, single submitter. Criteria: ARUP Molecular Germline Variant Investigation Process 2024. Collection method: clinical testing. Allele origin: germline.

Labcorp Genetics (formerly Invitae), Labcorp
Classification: Uncertain significance for Chédiak-Higashi syndrome. Last evaluated: 2022-08-23. Review status: criteria provided, single submitter. Criteria: Invitae Variant Classification Sherloc (09022015). Collection method: clinical testing. Allele origin: germline.
Comment: This sequence change replaces methionine, which is neutral and non-polar, with valine, which is neutral and non-polar, at codon 219 of the LYST protein (p.Met219Val). This variant is present in population databases (rs753038724, gnomAD 0.002%). This variant has not been reported in the literature in individuals affected with LYST-related conditions. Algorithms developed to predict the effect of missense changes on protein structure and function output the following: SIFT: "Tolerated"; PolyPhen-2: "Benign"; Align-GVGD: "Class C0". The valine amino acid residue is found in multiple mammalian species, which suggests that this missense change does not adversely affect protein function. In summary, the available evidence is currently insufficient to determine the role of this variant in disease. Therefore, it has been classified as a Variant of Uncertain Significance.

Revvity Omics, Revvity
Classification: Uncertain significance for Chédiak-Higashi syndrome. Last evaluated: 2019-02-06. Review status: criteria provided, single submitter. Criteria: ACMG Guidelines, 2015. Collection method: clinical testing. Allele origin: germline.